The following is an entry in ClinVar:

NM_001393704.1(MOBP):c.57C>G (p.Ser19=)

Gene: MOBP (myelin associated oligodendrocyte basic protein; plus strand). Cytogenetic location: 3p22.1.
Variant type: single nucleotide variant.
Coding change: c.57C>G on transcript NM_001393704.1 (MANE Select); coding-DNA position 57, C replaced by G.
Protein change: p.Ser19=; no amino-acid change (serine 19 retained).
Molecular consequence: synonymous variant. On other transcripts: non-coding transcript variant (3).
Genome position (GRCh38, 1-based): chr3:39,502,126, C>G. VCF-style: chr3-39502126-C-G. GRCh37 (hg19) VCF-style: chr3-39543617-C-G.
Other names: c.57C>G, p.Ser19= (NM_001278322.2, NM_001278323.2, NM_182935.4).
Identifiers: ClinVar variation 3352382 (VCV003352382.1).

ClinVar aggregate classification (germline): Likely benign (0 of 4 stars; one submission).

Conditions:
MOBP-related disorder. Also called: MOBP-related condition.

gnomAD v4.1: 118 of 1,614,196 alleles (0.0073%); highest among the groups gnomAD compares: African/African-American, 0.14%; no homozygotes.

Submission:

PreventionGenetics, part of Exact Sciences
Classification: Likely benign for MOBP-related condition. Last evaluated: 2024-06-18. Review status: no assertion criteria provided. Collection method: clinical testing. Allele origin: germline.
Comment: This variant is classified as likely benign based on ACMG/AMP sequence variant interpretation guidelines (Richards et al. 2015 PMID: 25741868, with internal and published modifications).